The following is an entry in ClinVar:

NM_017780.4(CHD7):c.2436A>T (p.Lys812Asn)

Gene: CHD7 (chromodomain helicase DNA binding protein 7; plus strand). Cytogenetic location: 8q12.2.
Variant type: single nucleotide variant.
Coding change: c.2436A>T on transcript NM_017780.4 (MANE Select); coding-DNA position 2436, A replaced by T.
Protein change: p.Lys812Asn; replaces lysine 812 with asparagine.
Molecular consequence: missense variant. On other transcripts: intron variant (1).
Genome position (GRCh38, 1-based): chr8:60,801,587, A>T. VCF-style: chr8-60801587-A-T. GRCh37 (hg19) VCF-style: chr8-61714146-A-T.
Other names: c.1716+20537A>T (NM_001316690.1); short protein forms K812N.
Identifiers: ClinVar variation 198223 (VCV000198223.47), dbSNP rs61978638, ClinGen allele CA205558.

ClinVar aggregate classification (germline): Conflicting classifications of pathogenicity. Review status: criteria provided, conflicting classifications (1 of 4 stars). 15 submissions from 15 submitters: Uncertain significance (2); Benign (3); Likely benign (7). 3 of the submissions do not count toward it. Last evaluated 2026-09-01.

Conditions:
CHD7-related disorder. Also called: CHD7-related condition.
Inborn genetic diseases. Identifiers: MedGen C0950123, MeSH D030342.
CHARGE syndrome (CHARGE). Also called: Coloboma, heart anomaly, choanal atresia, retardation, genital and ear anomalies; CHARGE association; Hall-Hittner syndrome; CHARGE ASSOCIATION--COLOBOMA, HEART ANOMALY, CHOANAL ATRESIA, RETARDATION, GENITAL AND EAR ANOMALIES; Hittner Hirsch Kreh syndrome. Identifiers: Orphanet 138, MedGen C0265354, MONDO:0008965.
Hypogonadotropic hypogonadism 5 with or without anosmia (KAL5). Also called: HYPOGONADOTROPIC HYPOGONADISM 5 WITH ANOSMIA; HYPOGONADOTROPHIC HYPOGONADISM 5 WITHOUT ANOSMIA; CHD7-Related GnRH Deficiency (Kallmann Syndrome 5). Identifiers: Orphanet 478, MedGen C3552553, MONDO:0012880, OMIM 612370. Disease mechanism: loss of function.

Allele frequency attached by ClinVar (database versions not stated): gnomAD exomes 0.00008 and 0.00024; ExAC 0.00050; gnomAD 0.00080 and 0.00083; ESP Exome Variant Server 0.00085; 1000 Genomes Project 0.00100; TOPMed 0.00104; 1000 Genomes Project 30x 0.00125.
gnomAD v4.1: 263 of 1,571,574 alleles (0.017%); highest among the groups gnomAD compares: African/African-American, 0.28%; no homozygotes.

Submissions (15):

CeGaT Center for Human Genetics Tuebingen
Classification: Likely benign. Last evaluated: 2026-09-01. Review status: criteria provided, single submitter. Criteria: CeGaT Center For Human Genetics Tuebingen Variant Classification Criteria Version 2. Collection method: clinical testing. Allele origin: germline. Affected: yes. Observed: 2 variant alleles.
Comment: CHD7: BS1

Labcorp Genetics (formerly Invitae), Labcorp
Classification: Benign for CHARGE syndrome. Last evaluated: 2026-02-03. Review status: criteria provided, single submitter. Criteria: Invitae Variant Classification Sherloc (09022015). Collection method: clinical testing. Allele origin: germline.

Blueprint Genetics
Classification: Likely benign. Last evaluated: 2024-09-13. Review status: criteria provided, single submitter. Criteria: ACMG Guidelines, 2015. Collection method: clinical testing. Allele origin: germline.

GeneDx
Classification: Benign. Last evaluated: 2019-09-24. Review status: criteria provided, single submitter. Criteria: GeneDx Variant Classification Process June 2021. Collection method: clinical testing. Allele origin: germline. Affected: yes.

Laboratory for Molecular Medicine, Mass General Brigham Personalized Medicine
Classification: Likely benign. Last evaluated: 2018-08-09. Review status: criteria provided, single submitter. Criteria: LMM Criteria. Collection method: clinical testing. Allele origin: germline. Observed: 2 variant alleles.
Comment: The p.Lys812Asn variant in CHD7 is classified as likely benign because it has be en identified in 0.3% (59/19166) of African chromosomes by the Genome Aggregatio n Database (gnomAD). ACMG/AMP Criteria applie d: BS1.

Illumina Laboratory Services, Illumina
Classification: Benign for Kallmann Syndrome 5. Last evaluated: 2017-04-28. Review status: criteria provided, single submitter. Criteria: ICSL Variant Classification Criteria 13 December 2019. Collection method: clinical testing. Allele origin: germline.
Comment: This variant was observed as part of a predisposition screen in an ostensibly healthy population. A literature search was performed for the gene, cDNA change, and amino acid change (where applicable). No publications were found based on this search. Allele frequency data from public databases was too high to be consistent with this variant causing disease. Therefore, this variant is classified as benign.

Women's Health and Genetics/Laboratory Corporation of America, LabCorp
Classification: Likely benign. Last evaluated: 2017-03-27. Review status: criteria provided, single submitter. Criteria: LabCorp Variant Classification Summary - May 2015. Collection method: clinical testing. Allele origin: germline.
Comment: Variant summary: The CHD7 c.2436A>T (p.Lys812Asn) variant involves the alteration of a non-conserved nucleotide. 3/4 in silico tools predict a damaging outcome for this variant (SNPs&GO not captured due to low reliability index). This variant was found in 15/29850 control chromosomes, predominantly observed in the African subpopulation at a frequency of 0.004964 (15/3022). This frequency is about 113 times the estimated maximal expected allele frequency of a pathogenic CHD7 variant (0.0000438), suggesting this is likely a benign polymorphism found primarily in the populations of African origin. This variant has been reported in one CHARGE syndrome patient without strong evidence for causality (Janssen_HM_2012), and it has been classified as benign by multiple publications (Bergman_HM_2012, Janssen_HM_2012). In addition, multiple clinical diagnostic laboratories classified this variant as likely benign and one lab classified it as uncertain significance. Taken together, this variant is classified as likely benign.

Center for Pediatric Genomic Medicine, Children's Mercy Hospital and Clinics
Classification: Likely benign. Last evaluated: 2017-01-12. Review status: criteria provided, single submitter. Criteria: ACMG Guidelines, 2015. Collection method: clinical testing. Allele origin: germline.
ClinVar note: Converted during submission from Likely Benign to Likely benign.

Ambry Genetics
Classification: Likely benign for Inborn genetic diseases. Last evaluated: 2016-10-03. Review status: criteria provided, single submitter. Criteria: Ambry Variant Classification Scheme 2023. Collection method: clinical testing. Allele origin: germline.

Genetic Services Laboratory, University of Chicago
Classification: Likely benign. Last evaluated: 2015-06-30. Review status: criteria provided, single submitter. Criteria: ACMG Guidelines, 2015. Collection method: clinical testing. Allele origin: germline.

Eurofins Ntd Llc (ga)
Classification: Uncertain significance. Last evaluated: 2014-05-08. Review status: criteria provided, single submitter. Criteria: EGL Classification Definitions 2015. Collection method: clinical testing. Allele origin: germline. Observed: 1 variant allele, 1 heterozygote.

Center for Genomics, Ann and Robert H. Lurie Children's Hospital of Chicago
Classification: Uncertain significance for Hypogonadotropic hypogonadism 5 with or without anosmia; CHD7-related CHARGE syndrome. Review status: criteria provided, single submitter. Criteria: ACMG Guidelines, 2015. Collection method: clinical testing. Allele origin: germline.
Comment: CHD7 NM_017780 exon 6 p.Lys812Asn (c.2436A>T):This variant has not been reported in the literature but is present in 0.3% (59/19166) of African alleles in the Genome Aggregation Database. This variant is present in ClinVar (Variation ID:198223). Evolutionary conservation and computational predictive tools for this variant are unclear. In summary, data on this variant is insufficient for disease classification. Therefore, the clinical significance of this variant is uncertain.

PreventionGenetics, part of Exact Sciences
Classification: Likely benign for CHD7-related condition. Last evaluated: 2019-06-11. Review status: no assertion criteria provided. Collection method: clinical testing. Allele origin: germline. Not counted in ClinVar's aggregate classification.
Comment: This variant is classified as likely benign based on ACMG/AMP sequence variant interpretation guidelines (Richards et al. 2015 PMID: 25741868, with internal and published modifications).

Clinical Genetics DNA and cytogenetics Diagnostics Lab, Erasmus MC, Erasmus Medical Center
Classification: Likely benign. Review status: no assertion criteria provided. Collection method: clinical testing. Allele origin: germline. Affected: yes. Study: VKGL Data-share Consensus. Not counted in ClinVar's aggregate classification.

Joint Genome Diagnostic Labs from Nijmegen and Maastricht, Radboudumc and MUMC+
Classification: Benign. Review status: no assertion criteria provided. Collection method: clinical testing. Allele origin: germline. Affected: yes. Study: VKGL Data-share Consensus. Not counted in ClinVar's aggregate classification.

Literature cited by the submitters: PubMed 22461308 (cited by Women's Health and Genetics/Laboratory Corporation of America, LabCorp); PubMed 22539353 (cited by Women's Health and Genetics/Laboratory Corporation of America, LabCorp and Ambry Genetics).